The following is an entry in ClinVar:

ClinVar aggregate classification (germline): Uncertain significance (1 of 4 stars; one submission).

Submission:

CeGaT Center for Human Genetics Tuebingen
Classification: Uncertain significance. Last evaluated: 2023-09-01. Review status: criteria provided, single submitter. Criteria: CeGaT Center For Human Genetics Tuebingen Variant Classification Criteria Version 2. Collection method: clinical testing. Allele origin: germline. Affected: yes. Observed: 1 variant allele.
Comment: GNB1: PM2, PP2

NM_002074.5(GNB1):c.445T>A (p.Cys149Ser)

Gene: GNB1 (G protein subunit beta 1; minus strand). Cytogenetic location: 1p36.33.
Variant type: single nucleotide variant.
Coding change: c.445T>A on transcript NM_002074.5 (MANE Select); coding-DNA position 445, T replaced by A.
Protein change: p.Cys149Ser; replaces cysteine 149 with serine.
Molecular consequence: missense variant.
Genome position (GRCh38, 1-based): chr1:1,793,297, A>T on the plus strand (T>A on the coding strand, the complement: GNB1 is on the minus strand). VCF-style: chr1-1793297-A-T. GRCh37 (hg19) VCF-style: chr1-1724736-A-T.
Other names: c.145T>A, p.Cys49Ser (NM_001282538.2); c.445T>A, p.Cys149Ser (NM_001282539.2); short protein forms C149S, C49S.
Identifiers: ClinVar variation 2638063 (VCV002638063.24), dbSNP rs2522382153, ClinGen allele CA337908655.